The following is an entry in ClinVar:

NM_004560.4(ROR2):c.1363C>T (p.Pro455Ser)

Gene: ROR2 (ROR family WNT receptor 2; minus strand). Cytogenetic location: 9q22.31.
Variant type: single nucleotide variant.
Coding change: c.1363C>T on transcript NM_004560.4 (MANE Select); coding-DNA position 1363, C replaced by T.
Protein change: p.Pro455Ser; replaces proline 455 with serine.
Molecular consequence: missense variant. On other transcripts: 3 prime UTR variant (1).
Genome position (GRCh38, 1-based): chr9:91,726,564, G>A on the plus strand (C>T on the coding strand, the complement: ROR2 is on the minus strand). VCF-style: chr9-91726564-G-A. GRCh37 (hg19) VCF-style: chr9-94488846-G-A.
Other names: c.*30C>T (NM_001318204.2); short protein forms P455S.
Identifiers: ClinVar variation 3597748 (VCV003597748.7).

ClinVar aggregate classification (germline): Conflicting classifications of pathogenicity. Review status: criteria provided, conflicting classifications (1 of 4 stars). 2 submissions from 2 submitters: Uncertain significance (1); Likely benign (1). Last evaluated 2025-10-01.

Conditions:
Autosomal recessive Robinow syndrome (RRS1). Also called: ROBINOW SYNDROME, AUTOSOMAL RECESSIVE 1; COSTOVERTEBRAL SEGMENTATION DEFECT WITH MESOMELIA; COVESDEM SYNDROME; ROR2-Related Robinow Syndrome. Identifiers: Orphanet 1507, Orphanet 97360, MedGen C5399974, MONDO:0009999, OMIM 268310.
Brachydactyly type B1 (BDB1). Identifiers: Orphanet 572385, Orphanet 93383, MedGen C1862112, MONDO:0007220, OMIM 113000.

gnomAD v4.1: 22 of 1,612,626 alleles (0.0014%); highest among the groups gnomAD compares: African/African-American, 0.004%; no homozygotes.

Submissions (2):

CeGaT Center for Human Genetics Tuebingen
Classification: Likely benign. Last evaluated: 2025-10-01. Review status: criteria provided, single submitter. Criteria: CeGaT Center For Human Genetics Tuebingen Variant Classification Criteria Version 2. Collection method: clinical testing. Allele origin: germline. Affected: yes. Observed: 1 variant allele.
Comment: ROR2: BP4

Fulgent Genetics
Classification: Uncertain significance for Brachydactyly type B1; Autosomal recessive Robinow syndrome. Last evaluated: 2024-05-23. Review status: criteria provided, single submitter. Criteria: ACMG Guidelines, 2015. Collection method: clinical testing. Allele origin: germline.